The following is an entry in ClinVar:

NM_003060.4(SLC22A5):c.395G>A (p.Trp132Ter)

Gene: SLC22A5 (solute carrier family 22 member 5; plus strand). Cytogenetic location: 5q31.1.
Variant type: single nucleotide variant.
Coding change: c.395G>A on transcript NM_003060.4 (MANE Select); coding-DNA position 395, G replaced by A.
Protein change: p.Trp132Ter; replaces tryptophan 132 with a stop codon.
Molecular consequence: nonsense.
Genome position (GRCh38, 1-based): chr5:132,378,379, G>A. VCF-style: chr5-132378379-G-A. GRCh37 (hg19) VCF-style: chr5-131714071-G-A.
Other names: c.467G>A, p.Trp156Ter (NM_001308122.2); short protein forms W132*, W156*.
Identifiers: ClinVar variation 279949 (VCV000279949.8), dbSNP rs886041277, ClinGen allele CA10602951.

ClinVar aggregate classification (germline): Pathogenic. Review status: criteria provided, multiple submitters, no conflicts (2 of 4 stars). 3 submissions from 3 submitters: Pathogenic (3). Last evaluated 2025-05-22.

Conditions:
Carnitine deficiency. Identifiers: MedGen C1142132.
Renal carnitine transport defect (CDSP). Also called: Carnitine Deficiency, Systemic; Primary carnitine deficiency; CARNITINE DEFICIENCY, SYSTEMIC, DUE TO DEFECT IN RENAL REABSORPTION OF CARNITINE; CARNITINE TRANSPORTER, PLASMA-MEMBRANE, DEFICIENCY OF; CARNITINE UPTAKE DEFECT; Carnitine transporter deficiency. Identifiers: Orphanet 158, MedGen C0342788, MONDO:0008919, OMIM 212140.

Allele frequency attached by ClinVar (database versions not stated): gnomAD exomes 0.00001.
gnomAD v4.1: 7 of 1,614,048 alleles (0.00043%); highest among the groups gnomAD compares: South Asian, 0.0011%; no homozygotes.

Submissions (3):

Natera, Inc.
Classification: Pathogenic for Carnitine deficiency. Last evaluated: 2025-05-22. Review status: criteria provided, single submitter. Criteria: Natera Variant Classification Schema (03/2026). Collection method: clinical testing. Allele origin: germline.
Comment: The c.395G>A variant in SLC22A5 is a nonsense variant predicted to introduce a stop codon at amino acid 132. This variant is expected to result in nonsense mediated decay, truncation, or a dysfunctional protein product. This variant is rare in the general population with a frequency below the threshold expected for the associated phenotype(s). This variant has been observed in one or more individuals affected with the associated recessive disease, as either homozygous or compound heterozygous with a second variant (PMID: 9916797). Given the available evidence, this variant is classified as Pathogenic.

Labcorp Genetics (formerly Invitae), Labcorp
Classification: Pathogenic for Renal carnitine transport defect. Last evaluated: 2022-09-01. Review status: criteria provided, single submitter. Criteria: Invitae Variant Classification Sherloc (09022015). Collection method: clinical testing. Allele origin: germline.
Comment: This sequence change creates a premature translational stop signal (p.Trp132*) in the SLC22A5 gene. It is expected to result in an absent or disrupted protein product. Loss-of-function variants in SLC22A5 are known to be pathogenic (PMID: 9916797). This variant is not present in population databases (gnomAD no frequency). This premature translational stop signal has been observed in individual(s) with clinical features of primary carnitine deficiency (PMID: 28841266, 32870709). ClinVar contains an entry for this variant (Variation ID: 279949). Algorithms developed to predict the effect of sequence changes on RNA splicing suggest that this variant may disrupt the consensus splice site. For these reasons, this variant has been classified as Pathogenic.

GeneDx
Classification: Pathogenic. Last evaluated: 2017-10-27. Review status: criteria provided, single submitter. Criteria: GeneDx Variant Classification (06012015). Collection method: clinical testing. Allele origin: germline. Affected: yes.
Comment: Although the c.395 G>A variant has not previously been reported to our knowledge, another nucleotide substitution, c.396 G>A, that also results in W132X has previously been reported in several unrelated individuals with primary carnitine deficiency (PCD) (Nezu et al., 1999;Tang et al., 1999; Ohkuma et al., 2009). The W132X nonsense variant in the SLC22A5 gene is predicted to cause loss of normal protein function either through protein truncation or nonsense-mediated mRNA decay. Therefore, we interpret W132X to be a pathogenic variant.

Literature cited by the submitters: PubMed 9916797 (cited by Natera, Inc. and Labcorp Genetics (formerly Invitae), Labcorp); PubMed 28841266 (cited by Labcorp Genetics (formerly Invitae), Labcorp); PubMed 32870709 (cited by Labcorp Genetics (formerly Invitae), Labcorp).